The following is an entry in ClinVar:

ClinVar aggregate classification (germline): Uncertain significance (1 of 4 stars; one submission).

Conditions:
Arrhythmogenic right ventricular dysplasia 10. Also called: Arrhythmogenic Right Ventricular Dysplasia/Cardiomyopathy10; ARRHYTHMOGENIC RIGHT VENTRICULAR DYSPLASIA, FAMILIAL, 10; Arrhythmogenic right ventricular dysplasia/cardiomyopathy, type 10. Identifiers: MedGen C1857777, MONDO:0012434, OMIM 610193.

Allele frequency attached by ClinVar (database versions not stated): gnomAD 0.00001; TOPMed 0.00001; ExAC 0.00002.
gnomAD v4.1: 3 of 1,613,492 alleles (0.00019%); highest among the groups gnomAD compares: Non-Finnish European, 0.00025%; no homozygotes.

Submission:

Labcorp Genetics (formerly Invitae), Labcorp
Classification: Uncertain significance for Arrhythmogenic right ventricular dysplasia 10. Last evaluated: 2019-08-23. Review status: criteria provided, single submitter. Criteria: Invitae Variant Classification Sherloc (09022015). Collection method: clinical testing. Allele origin: germline.
Comment: In summary, the available evidence is currently insufficient to determine the role of this variant in disease. Therefore, it has been classified as a Variant of Uncertain Significance. Algorithms developed to predict the effect of sequence changes on RNA splicing suggest that this variant may disrupt the consensus splice site, but this prediction has not been confirmed by published transcriptional studies. This variant has not been reported in the literature in individuals with DSG2-related conditions. This variant is present in population databases (rs750711733, ExAC 0.003%). This sequence change falls in intron 11 of the DSG2 gene. It does not directly change the encoded amino acid sequence of the DSG2 protein.

NM_001943.5(DSG2):c.1652-5T>A

Gene: DSG2 (desmoglein 2; plus strand). Cytogenetic location: 18q12.1.
Variant type: single nucleotide variant.
Coding change: c.1652-5T>A on transcript NM_001943.5 (MANE Select); 5 bases into the intron before coding-DNA position 1652, T replaced by A.
Molecular consequence: intron variant.
Genome position (GRCh38, 1-based): chr18:31,538,746, T>A. VCF-style: chr18-31538746-T-A. GRCh37 (hg19) VCF-style: chr18-29118709-T-A.
Identifiers: ClinVar variation 953447 (VCV000953447.9), dbSNP rs750711733, ClinGen allele CA043366.